The following is an entry in ClinVar:

NM_001330260.2(SCN8A):c.2551G>C (p.Val851Leu)

Gene: SCN8A (sodium voltage-gated channel alpha subunit 8; plus strand). Cytogenetic location: 12q13.13.
Variant type: single nucleotide variant.
Coding change: c.2551G>C on transcript NM_001330260.2 (MANE Select); coding-DNA position 2551, G replaced by C.
Protein change: p.Val851Leu; replaces valine 851 with leucine.
Molecular consequence: missense variant.
Genome position (GRCh38, 1-based): chr12:51,765,677, G>C. VCF-style: chr12-51765677-G-C. GRCh37 (hg19) VCF-style: chr12-52159461-G-C.
Other names: c.2551G>C, p.Val851Leu (NM_001177984.3, NM_001369788.1, NM_014191.4); short protein forms V851L.
Identifiers: ClinVar variation 1718280 (VCV001718280.5), dbSNP rs2540260086, ClinGen allele CA384886520.

ClinVar aggregate classification (germline): Uncertain significance (1 of 4 stars; one submission).

Conditions:
Early-infantile DEE. Also called: Early infantile epileptic encephalopathy with suppression bursts; Early infantile epileptic encephalopathy; Ohtahara syndrome. Identifiers: Orphanet 1934, MedGen C0393706, MONDO:0800491.

Submission:

Labcorp Genetics (formerly Invitae), Labcorp
Classification: Uncertain significance for Early-infantile DEE. Last evaluated: 2022-10-14. Review status: criteria provided, single submitter. Criteria: Invitae Variant Classification Sherloc (09022015). Collection method: clinical testing. Allele origin: germline.
Comment: In summary, the available evidence is currently insufficient to determine the role of this variant in disease. Therefore, it has been classified as a Variant of Uncertain Significance. Advanced modeling of protein sequence and biophysical properties (such as structural, functional, and spatial information, amino acid conservation, physicochemical variation, residue mobility, and thermodynamic stability) has been performed at Invitae for this missense variant, however the output from this modeling did not meet the statistical confidence thresholds required to predict the impact of this variant on SCN8A protein function. This variant has not been reported in the literature in individuals affected with SCN8A-related conditions. This variant is not present in population databases (gnomAD no frequency). This sequence change replaces valine, which is neutral and non-polar, with leucine, which is neutral and non-polar, at codon 851 of the SCN8A protein (p.Val851Leu).